The following is an entry in ClinVar:

ClinVar aggregate classification (germline): Likely pathogenic (1 of 4 stars; one submission).

Submission:

Athena Diagnostics
Classification: Likely pathogenic. Last evaluated: 2019-07-09. Review status: criteria provided, single submitter. Criteria: Athena Diagnostics Criteria. Collection method: clinical testing. Allele origin: germline.
Comment: The variant results in a shift of the reading frame, and is therefore predicted to result in the loss of a functional protein. Not found in the total gnomAD dataset, and the data is high quality (0/272240 chr).

NM_000092.5(COL4A4):c.3842dup (p.Gly1282fs)

Gene: COL4A4 (collagen type IV alpha 4 chain; minus strand). Cytogenetic location: 2q36.3.
Variant type: Duplication.
Coding change: c.3842dup on transcript NM_000092.5 (MANE Select); coding-DNA position 3842, one base duplicated (C; older notation c.3842dupC).
Protein change: p.Gly1282fs; shifts the reading frame from glycine 1282.
Molecular consequence: frameshift variant.
Genome position (GRCh38, 1-based): chr2:227,030,574, G duplicated on the plus strand (C on the coding strand, the reverse complement: COL4A4 is on the minus strand); the first of 3 consecutive G bases (chr2:227,030,574-227,030,576); duplicating any one gives the same sequence. VCF-style (leftmost placement, unchanged base first): chr2-227030573-A-AG. GRCh37 (hg19) VCF-style: chr2-227895289-A-AG.
Other names: short protein forms G1282fs.
Identifiers: ClinVar variation 804582 (VCV000804582.1), dbSNP rs1575895799, ClinGen allele CA915941770.
Genomic context (GRCh38, chr2:227,030,573, plus strand): 5'-ACCTGGTGGCCCTGGTAGACCACAGTCACCTGGCTCCCCTCTCAGAAGGTCAACACTCCC[A>AG]GGGAGGCCTGGAGGCCCAGGTGCTCCTGACCACAGAGAAGAGACAAAAATATTCTTTTAG-3'